The following is an entry in ClinVar:

ClinVar aggregate classification (germline): Uncertain significance (1 of 4 stars; one submission).

Conditions:
Neuropathy, hereditary sensory and autonomic, type 2A (HSAN2A). Also called: MORVAN DISEASE; NEUROPATHY, CONGENITAL SENSORY; NEUROPATHY, HEREDITARY SENSORY RADICULAR, AUTOSOMAL RECESSIVE; NEUROPATHY, HEREDITARY SENSORY, TYPE IIA; NEUROPATHY, PROGRESSIVE SENSORY, OF CHILDREN; ACROOSTEOLYSIS, GIACCAI TYPE. Identifiers: Orphanet 970, MedGen C2752089, MONDO:0024309, OMIM 201300.
Pseudohypoaldosteronism type 2C (PHA2C). Also called: Pseudohypoaldosteronism Type IIC. Identifiers: Orphanet 757, Orphanet 88940, MedGen C1840391, MONDO:0013778, OMIM 614492.

Submission:

Labcorp Genetics (formerly Invitae), Labcorp
Classification: Uncertain significance for Neuropathy, hereditary sensory and autonomic, type 2A; Pseudohypoaldosteronism type 2C. Last evaluated: 2023-05-22. Review status: criteria provided, single submitter. Criteria: Invitae Variant Classification Sherloc (09022015). Collection method: clinical testing. Allele origin: germline.
Comment: In summary, the available evidence is currently insufficient to determine the role of this variant in disease. Therefore, it has been classified as a Variant of Uncertain Significance. Advanced modeling of protein sequence and biophysical properties (such as structural, functional, and spatial information, amino acid conservation, physicochemical variation, residue mobility, and thermodynamic stability) performed at Invitae indicates that this missense variant is not expected to disrupt WNK1 protein function. ClinVar contains an entry for this variant (Variation ID: 1714079). This variant has not been reported in the literature in individuals affected with WNK1-related conditions. This variant is not present in population databases (gnomAD no frequency). This sequence change replaces histidine, which is basic and polar, with leucine, which is neutral and non-polar, at codon 1108 of the WNK1 protein (p.His1108Leu).

NM_213655.5(WNK1):c.3323A>T (p.His1108Leu)

Gene: WNK1 (WNK lysine deficient protein kinase 1; plus strand). Cytogenetic location: 12p13.33.
Variant type: single nucleotide variant.
Coding change: c.3323A>T on transcript NM_213655.5 (MANE Plus Clinical); coding-DNA position 3323, A replaced by T.
Protein change: p.His1108Leu; replaces histidine 1108 with leucine.
Molecular consequence: missense variant. On other transcripts: intron variant (2).
Genome position (GRCh38, 1-based): chr12:868,794, A>T. VCF-style: chr12-868794-A-T. GRCh37 (hg19) VCF-style: chr12-977960-A-T.
Other names: c.3068A>T, p.His1023Leu (NM_001184985.2); c.2140-2471A>T (NM_018979.4, NM_014823.3); short protein forms H1023L, H1108L.
Identifiers: ClinVar variation 1714079 (VCV001714079.5), dbSNP rs1592100584, ClinGen allele CA383341857.